The following is an entry in ClinVar:

NM_005085.4(NUP214):c.116C>T (p.Ser39Leu)

Gene: NUP214 (nucleoporin 214; plus strand). Cytogenetic location: 9q34.13.
Variant type: single nucleotide variant.
Coding change: c.116C>T on transcript NM_005085.4 (MANE Select); coding-DNA position 116, C replaced by T.
Protein change: p.Ser39Leu; replaces serine 39 with leucine.
Molecular consequence: missense variant.
Genome position (GRCh38, 1-based): chr9:131,127,594, C>T. VCF-style: chr9-131127594-C-T. GRCh37 (hg19) VCF-style: chr9-134002981-C-T.
Other names: c.116C>T, p.Ser39Leu (NM_001318324.2); short protein forms S39L.
Identifiers: ClinVar variation 1028855 (VCV001028855.1), dbSNP rs202144029, ClinGen allele CA200708514.

ClinVar aggregate classification (germline): Uncertain significance (1 of 4 stars; one submission).

Conditions:
Encephalopathy, acute, infection-induced, susceptibility to, 9. Identifiers: MedGen C5193089, MONDO:0032742, OMIM 618426.

gnomAD v4.1: 2 of 1,614,036 alleles (0.00012%); highest among the groups gnomAD compares: Non-Finnish European, 0.00017%; no homozygotes.

Submission:

Baylor Genetics
Classification: Uncertain significance for Encephalopathy, acute, infection-induced, susceptibility to, 9. Last evaluated: 2020-06-03. Review status: criteria provided, single submitter. Criteria: ACMG Guidelines, 2015. Collection method: clinical testing. Allele origin: unknown. Affected: yes.
Comment: This variant was determined to be of uncertain significance according to ACMG Guidelines, 2015 [PMID:25741868].